The following is an entry in ClinVar:

NM_174936.4(PCSK9):c.636C>T (p.Asp212=)

Gene: PCSK9 (proprotein convertase subtilisin/kexin type 9; plus strand). Cytogenetic location: 1p32.3.
Variant type: single nucleotide variant.
Coding change: c.636C>T on transcript NM_174936.4 (MANE Select); coding-DNA position 636, C replaced by T.
Protein change: p.Asp212=; no amino-acid change (aspartic acid 212 retained).
Molecular consequence: synonymous variant. On other transcripts: non-coding transcript variant (8).
Genome position (GRCh38, 1-based): chr1:55,052,390, C>T. VCF-style: chr1-55052390-C-T. GRCh37 (hg19) VCF-style: chr1-55518063-C-T.
Other names: c.759C>T, p.Asp253= (NM_001407240.1); c.636C>T, p.Asp212= (NM_001407241.1, NM_001407242.1, NM_001407244.1 and 1 more transcripts); c.579C>T, p.Asp193= (NM_001407243.1); c.444C>T, p.Asp148= (NM_001407245.1); c.261C>T, p.Asp87= (NM_001407246.1).
Identifiers: ClinVar variation 926975 (VCV000926975.47), dbSNP rs757510932, ClinGen allele CA043524.

ClinVar aggregate classification (germline): Likely benign. Review status: criteria provided, multiple submitters, no conflicts (2 of 4 stars). 7 submissions from 7 submitters: Likely benign (7). Last evaluated 2025-07-06.

Conditions:
Familial hypercholesterolemia. Also called: Familial hypercholesterolemias; Familial hypercholesterolaemia. Identifiers: MedGen C0020445, MONDO:0005439.
Hypercholesterolemia, autosomal dominant, 3 (FHCL3). Also called: Familial Hypercholesterolemia, Autosomal Dominant, 3; Familial hypercholesterolemia 3; PCSK9-Related Familial Hypercholesterolemia, Autosomal Dominant. Identifiers: MedGen C1863551, MONDO:0011369, OMIM 603776.
Cardiovascular phenotype. Identifiers: MedGen CN230736.

Allele frequency attached by ClinVar (database versions not stated): gnomAD 0.00001; TOPMed 0.00001; ExAC 0.00002; gnomAD exomes 0.00002.
gnomAD v4.1: 24 of 1,613,586 alleles (0.0015%); highest among the groups gnomAD compares: Middle Eastern, 0.033%; no homozygotes.

Submissions (7):

Labcorp Genetics (formerly Invitae), Labcorp
Classification: Likely benign for Hypercholesterolemia, autosomal dominant, 3. Last evaluated: 2025-07-06. Review status: criteria provided, single submitter. Criteria: Invitae Variant Classification Sherloc (09022015). Collection method: clinical testing. Allele origin: germline.

GENinCode PLC
Classification: Likely benign for Familial hypercholesterolemia. Last evaluated: 2024-10-22. Review status: criteria provided, single submitter. Criteria: ACMG Guidelines, 2015. Collection method: clinical testing. Allele origin: germline.
Comment: This is a synonymous (silent) variant that is not predicted by SpliceAI to impact splicing. In addition, it occurs at a nucleotide that is not conserved. Therefore this variant has been classified as Likely Benign (BP4, BP7).

All of Us Research Program, National Institutes of Health
Classification: Likely benign for Hypercholesterolemia, autosomal dominant, 3. Last evaluated: 2023-05-31. Review status: criteria provided, single submitter. Criteria: ACMG Guidelines, 2015. Collection method: clinical testing. Allele origin: germline. Inheritance: Autosomal dominant inheritance. Observed: 4 variant alleles, 4 heterozygotes.
Comment: This study involves interpretation of variants in research participants for the purpose of population health screening. Participant phenotype was not available at the time of variant classification. Additional details can be found in publication PMID: 35346344, PMCID: PMC8962531

CeGaT Center for Human Genetics Tuebingen
Classification: Likely benign. Last evaluated: 2023-05-01. Review status: criteria provided, single submitter. Criteria: CeGaT Center For Human Genetics Tuebingen Variant Classification Criteria Version 2. Collection method: clinical testing. Allele origin: germline. Affected: yes. Observed: 1 variant allele.
Comment: PCSK9: BP4, BP7

Quest Diagnostics Nichols Institute San Juan Capistrano
Classification: Likely benign. Last evaluated: 2021-01-14. Review status: criteria provided, single submitter. Criteria: Quest Diagnostics criteria. Collection method: clinical testing. Allele origin: unknown.

Ambry Genetics
Classification: Likely benign for Cardiovascular phenotype. Last evaluated: 2019-08-19. Review status: criteria provided, single submitter. Criteria: Ambry Variant Classification Scheme 2023. Collection method: clinical testing. Allele origin: germline.

Color Diagnostics, LLC DBA Color Health
Classification: Likely benign for Familial hypercholesterolemia. Last evaluated: 2018-11-14. Review status: criteria provided, single submitter. Criteria: ACMG Guidelines, 2015. Collection method: clinical testing. Allele origin: germline.